The following is an entry in ClinVar:

ClinVar aggregate classification (germline): Uncertain significance (1 of 4 stars; one submission).

Submission:

Labcorp Genetics (formerly Invitae), Labcorp
Classification: Uncertain significance. Last evaluated: 2024-05-06. Review status: criteria provided, single submitter. Criteria: Invitae Variant Classification Sherloc (09022015). Collection method: clinical testing. Allele origin: germline.
Comment: This sequence change replaces threonine, which is neutral and polar, with isoleucine, which is neutral and non-polar, at codon 153 of the IRF4 protein (p.Thr153Ile). This variant is not present in population databases (gnomAD no frequency). This variant has not been reported in the literature in individuals affected with IRF4-related conditions. An algorithm developed to predict the effect of missense changes on protein structure and function (PolyPhen-2) suggests that this variant is likely to be tolerated. In summary, the available evidence is currently insufficient to determine the role of this variant in disease. Therefore, it has been classified as a Variant of Uncertain Significance.

NM_002460.4(IRF4):c.458C>T (p.Thr153Ile)

Gene: IRF4 (interferon regulatory factor 4; plus strand). Cytogenetic location: 6p25.3.
Variant type: single nucleotide variant.
Coding change: c.458C>T on transcript NM_002460.4 (MANE Select); coding-DNA position 458, C replaced by T.
Protein change: p.Thr153Ile; replaces threonine 153 with isoleucine.
Molecular consequence: missense variant. On other transcripts: non-coding transcript variant (1).
Genome position (GRCh38, 1-based): chr6:395,901, C>T. VCF-style: chr6-395901-C-T. GRCh37 (hg19) VCF-style: chr6-395901-C-T.
Other names: c.458C>T, p.Thr153Ile (NM_001195286.2); short protein forms T153I.
Identifiers: ClinVar variation 3652268 (VCV003652268.2).